The following is an entry in ClinVar:

ClinVar aggregate classification (germline): Uncertain significance. Review status: criteria provided, multiple submitters, no conflicts (2 of 4 stars). 2 submissions from 2 submitters: Uncertain significance (2). Last evaluated 2025-10-25.

Conditions:
Hereditary cancer-predisposing syndrome. Also called: Hereditary Cancer Syndrome; Hereditary neoplastic syndrome; Neoplastic Syndromes, Hereditary; Tumor predisposition. Identifiers: Orphanet 140162, MedGen C0027672, MeSH D009386, MONDO:0015356.

Allele frequency attached by ClinVar (database versions not stated): gnomAD exomes below 0.00001; TOPMed 0.00001.
gnomAD v4.1: 1 of 1,613,120 alleles (0.000062%); highest among the groups gnomAD compares: Non-Finnish European, 0.000085%; no homozygotes.

Submissions (2):

Ambry Genetics
Classification: Uncertain significance for Hereditary cancer-predisposing syndrome. Last evaluated: 2025-10-25. Review status: criteria provided, single submitter. Criteria: Ambry Variant Classification Scheme 2023. Collection method: clinical testing. Allele origin: germline.
Comment: The p.I258V variant (also known as c.772A>G), located in coding exon 6 of the RAD50 gene, results from an A to G substitution at nucleotide position 772. The isoleucine at codon 258 is replaced by valine, an amino acid with highly similar properties. This amino acid position is well conserved in available vertebrate species. In addition, this alteration is predicted to be tolerated by in silico analysis. Since supporting evidence is limited at this time, the clinical significance of this alteration remains unclear.

Labcorp Genetics (formerly Invitae), Labcorp
Classification: Uncertain significance for Hereditary cancer-predisposing syndrome. Last evaluated: 2024-04-10. Review status: criteria provided, single submitter. Criteria: Invitae Variant Classification Sherloc (09022015). Collection method: clinical testing. Allele origin: germline.
Comment: This sequence change replaces isoleucine, which is neutral and non-polar, with valine, which is neutral and non-polar, at codon 258 of the RAD50 protein (p.Ile258Val). This variant is not present in population databases (gnomAD no frequency). This variant has not been reported in the literature in individuals affected with RAD50-related conditions. ClinVar contains an entry for this variant (Variation ID: 408348). Advanced modeling of protein sequence and biophysical properties (such as structural, functional, and spatial information, amino acid conservation, physicochemical variation, residue mobility, and thermodynamic stability) performed at Invitae indicates that this missense variant is not expected to disrupt RAD50 protein function with a negative predictive value of 80%. In summary, the available evidence is currently insufficient to determine the role of this variant in disease. Therefore, it has been classified as a Variant of Uncertain Significance.

NM_005732.4(RAD50):c.772A>G (p.Ile258Val)

Gene: RAD50 (RAD50 double strand break repair protein; plus strand). Cytogenetic location: 5q31.1.
Variant type: single nucleotide variant.
Coding change: c.772A>G on transcript NM_005732.4 (MANE Select); coding-DNA position 772, A replaced by G.
Protein change: p.Ile258Val; replaces isoleucine 258 with valine.
Molecular consequence: missense variant.
Genome position (GRCh38, 1-based): chr5:132,587,577, A>G. VCF-style: chr5-132587577-A-G. GRCh37 (hg19) VCF-style: chr5-131923269-A-G.
Other names: short protein forms I258V.
Identifiers: ClinVar variation 408348 (VCV000408348.14), dbSNP rs1060501937, ClinGen allele CA16611759.